The following is an entry in ClinVar:

ClinVar aggregate classification (germline): Uncertain significance (1 of 4 stars; one submission).

Conditions:
Idiopathic generalized epilepsy. Also called: EIG; Generalised epilepsy. Identifiers: MedGen C0270850, MONDO:0005579, OMIM 600669.

Allele frequency attached by ClinVar (database versions not stated): gnomAD exomes below 0.00001.
gnomAD v4.1: 1 of 1,612,970 alleles (0.000062%); highest among the groups gnomAD compares: Admixed American, 0.0017%; no homozygotes.

Submission:

Labcorp Genetics (formerly Invitae), Labcorp
Classification: Uncertain significance for Idiopathic generalized epilepsy. Last evaluated: 2022-09-27. Review status: criteria provided, single submitter. Criteria: Invitae Variant Classification Sherloc (09022015). Collection method: clinical testing. Allele origin: germline.
Comment: This sequence change affects a donor splice site in intron 1 of the RBFOX1 gene. It is expected to disrupt RNA splicing. Variants that disrupt the donor or acceptor splice site typically lead to a loss of protein function (PMID: 16199547), however the current clinical and genetic evidence is not sufficient to establish whether loss-of-function variants in RBFOX1 cause disease. This variant is present in population databases (no rsID available, gnomAD 0.003%). This variant has not been reported in the literature in individuals affected with RBFOX1-related conditions. ClinVar contains an entry for this variant (Variation ID: 1422794). Algorithms developed to predict the effect of sequence changes on RNA splicing suggest that this variant may disrupt the consensus splice site. In summary, the available evidence is currently insufficient to determine the role of this variant in disease. Therefore, it has been classified as a Variant of Uncertain Significance.

Literature cited by the submitters: PubMed 16199547.

NM_145893.3(RBFOX1):c.87+2T>C

Gene: RBFOX1 (RNA binding fox-1 homolog 1; plus strand). Cytogenetic location: 16p13.3.
Variant type: single nucleotide variant.
Coding change: c.87+2T>C on transcript NM_145893.3 (MANE Plus Clinical); the canonical splice donor site of the intron after coding-DNA position 87, T replaced by C.
Molecular consequence: splice donor variant. On other transcripts: intron variant (30).
Genome position (GRCh38, 1-based): chr16:7,333,090, T>C. VCF-style: chr16-7333090-T-C. GRCh37 (hg19) VCF-style: chr16-7383091-T-C.
Other names: c.625-185057T>C (NM_001415887.1, NM_001415888.1); c.28-185057T>C (NM_001364800.2, NM_018723.4, NM_001142333.2 and 2 more transcripts); c.157-185057T>C (NM_001415895.1, NM_001415891.1, NM_001415907.1 and 5 more transcripts); c.136-185057T>C (NM_001415889.1, NM_001415898.1, NM_001415894.1 and 5 more transcripts); c.102+28605T>C (NM_001415890.1, NM_001415901.1, NM_001415899.1 and 4 more transcripts); c.87+2T>C (NM_001415904.1, NM_001415896.1, NM_145891.3 and 3 more transcripts).
Identifiers: ClinVar variation 1422794 (VCV001422794.6), dbSNP rs1240585365, ClinGen allele CA394795316.
Genomic context (GRCh38, chr16:7,333,090, plus strand): 5'-ATCCTTATGGCGTGCCTATGATTGTACCGGCAGCTCCTTACCTTCCTGGACTGATTCAGG[T>C]AATTCAAGGCCTCTGCCAGCCAGCAACTTAACTCCAGAGTGCTCAGAGTAATAATTGGAA-3'